The following is an entry in ClinVar:

ClinVar aggregate classification (germline): Uncertain significance (1 of 4 stars; one submission).

Conditions:
Cardiovascular phenotype. Identifiers: MedGen CN230736.
Hereditary cancer-predisposing syndrome. Also called: Neoplastic Syndromes, Hereditary; Tumor predisposition; Hereditary Cancer Syndrome; Hereditary neoplastic syndrome. Identifiers: Orphanet 140162, MedGen C0027672, MeSH D009386, MONDO:0015356.

Submission:

Ambry Genetics
Classification: Uncertain significance for Cardiovascular phenotype; Hereditary cancer-predisposing syndrome. Last evaluated: 2023-01-11. Review status: criteria provided, single submitter. Criteria: Ambry Variant Classification Scheme 2023. Collection method: clinical testing. Allele origin: germline.
Comment: The c.1657C>A variant (also known as p.H553N), located in coding exon 15 of the NF1 gene, results from a C to A substitution at nucleotide position 1657. The histidine at codon 553 is replaced by asparagine, an amino acid with similar properties. This nucleotide position is highly conserved in available vertebrate species. In silico splice site analysis predicts that this alteration may weaken the native splice acceptor site; however, direct evidence is insufficient at this time (Ambry internal data). Since supporting evidence is limited at this time, the clinical significance of this alteration remains unclear.

NM_001042492.3(NF1):c.1657C>A (p.His553Asn)

Gene: NF1 (neurofibromin 1; plus strand). Cytogenetic location: 17q11.2.
Variant type: single nucleotide variant.
Coding change: c.1657C>A on transcript NM_001042492.3 (MANE Select); coding-DNA position 1657, C replaced by A.
Protein change: p.His553Asn; replaces histidine 553 with asparagine.
Molecular consequence: missense variant.
Genome position (GRCh38, 1-based): chr17:31,221,865, C>A. VCF-style: chr17-31221865-C-A. GRCh37 (hg19) VCF-style: chr17-29548883-C-A.
Other names: c.1657C>A, p.His553Asn (NM_000267.4, NM_001128147.3); short protein forms H553N.
Identifiers: ClinVar variation 1777377 (VCV001777377.3), dbSNP rs2144003901, ClinGen allele CA399002235.